The following is an entry in ClinVar:

ClinVar aggregate classification (germline): Conflicting classifications of pathogenicity. Review status: criteria provided, conflicting classifications (1 of 4 stars). 3 submissions from 3 submitters: Uncertain significance (2); Benign (1). Last evaluated 2025-01-23.

Conditions:
Retinal dystrophy. Also called: Inherited retinal dystrophy. Identifiers: Orphanet 71862, MedGen C0854723, MeSH D058499, MONDO:0019118, HP:0000556.

Allele frequency attached by ClinVar (database versions not stated): TOPMed below 0.00001; gnomAD 0.00001; ExAC 0.00003; gnomAD exomes 0.00006.
gnomAD v4.1: 33 of 1,613,984 alleles (0.002%); highest among the groups gnomAD compares: East Asian, 0.074%; no homozygotes.

Submissions (3):

Labcorp Genetics (formerly Invitae), Labcorp
Classification: Uncertain significance. Last evaluated: 2025-01-23. Review status: criteria provided, single submitter. Criteria: Invitae Variant Classification Sherloc (09022015). Collection method: clinical testing. Allele origin: germline.
Comment: This sequence change replaces cysteine, which is neutral and slightly polar, with arginine, which is basic and polar, at codon 92 of the SPP2 protein (p.Cys92Arg). This variant is present in population databases (rs763549452, gnomAD 0.08%), and has an allele count higher than expected for a pathogenic variant. This variant has not been reported in the literature in individuals affected with SPP2-related conditions. ClinVar contains an entry for this variant (Variation ID: 1046799). An algorithm developed to predict the effect of missense changes on protein structure and function (PolyPhen-2) suggests that this variant is likely to be disruptive. In summary, the available evidence is currently insufficient to determine the role of this variant in disease. Therefore, it has been classified as a Variant of Uncertain Significance.

Dept Of Ophthalmology, Nagoya University
Classification: Benign for Retinal dystrophy. Last evaluated: 2023-10-01. Review status: criteria provided, single submitter. Criteria: Submitter's publication. Collection method: research. Allele origin: germline. Affected: yes.

Ambry Genetics
Classification: Uncertain significance. Last evaluated: 2023-05-17. Review status: criteria provided, single submitter. Criteria: Ambry Variant Classification Scheme 2023. Collection method: clinical testing. Allele origin: germline.

NM_006944.3(SPP2):c.274T>C (p.Cys92Arg)

Gene: SPP2 (secreted phosphoprotein 2; plus strand). Cytogenetic location: 2q37.1.
Variant type: single nucleotide variant.
Coding change: c.274T>C on transcript NM_006944.3 (MANE Select); coding-DNA position 274, T replaced by C.
Protein change: p.Cys92Arg; replaces cysteine 92 with arginine.
Molecular consequence: missense variant.
Genome position (GRCh38, 1-based): chr2:234,058,899, T>C. VCF-style: chr2-234058899-T-C. GRCh37 (hg19) VCF-style: chr2-234967543-T-C.
Other names: c.274T>C (NM_006944.2); short protein forms C92R.
Identifiers: ClinVar variation 1046799 (VCV001046799.11), dbSNP rs763549452, ClinGen allele CA2183137.
Genomic context (GRCh38, chr2:234,058,899, plus strand): 5'-GAGGTCCTAGATGAGAACAACTTGGTCATGAATTTAGAGTTCAGCATCCGGGAGACTACA[T>C]GCAGGAAGGATTCTGGAGAAGATCCCGCTACATGTGCCTTCCAGAGGGACTACTATGTGG-3'
Protein context (NP_008875.1, residues 82-102): NLEFSIRETT[Cys92Arg]RKDSGEDPAT